The following is an entry in ClinVar:

ClinVar aggregate classification (germline): Pathogenic (1 of 4 stars; one submission).

Conditions:
Kabuki syndrome 1 (KABUK1). Also called: KMT2D-Related Kabuki Syndrome. Identifiers: Orphanet 2322, MedGen CN030661, MONDO:0007843, OMIM 147920.

Submission:

Rady Children's Institute for Genomic Medicine, Rady Children's Hospital San Diego
Classification: Pathogenic for KABUKI SYNDROME 1. Last evaluated: 2018-07-19. Review status: criteria provided, single submitter. Criteria: ACMG Guidelines, 2015. Collection method: clinical testing. Allele origin: germline. Affected: yes. Observed: 1 variant allele.
Comment: This frameshifting variant in exon 48 of 54 introduces a premature stop codon and is therefore predicted to result in loss of normal protein function. This variant has not been previously reported or functionally characterized in the literature to our knowledge, but loss of function variants in KMT2D are a known mechanism for disease in this gene (PMID: 27302555, 23913813). It is absent from the ExAC and gnomAD population databases and thus is presumed to be rare. In silico analyses support a deleterious effect of the c.14753delC (p.Pro4918LeufsTer77) variant on protein function. Analysis of the parental samples was negative for the variant, indicating this variant likely occurred as a de novo event. Based on the available evidence, the c.14753delC, p.Pro4918LeufsTer77 variant is classified as Pathogenic.

NM_003482.4(KMT2D):c.14753del (p.Pro4918fs)

Gene: KMT2D (lysine methyltransferase 2D; minus strand). Cytogenetic location: 12q13.12.
Variant type: Deletion.
Coding change: c.14753del on transcript NM_003482.4 (MANE Select); coding-DNA position 14753, one base deleted (C; older notation c.14753delC).
Protein change: p.Pro4918fs; shifts the reading frame from proline 4918.
Molecular consequence: frameshift variant.
Genome position (GRCh38, 1-based): chr12:49,027,213, G deleted on the plus strand (C on the coding strand, the reverse complement: KMT2D is on the minus strand); the first of 5 consecutive G bases (chr12:49,027,213-49,027,217); deleting any one gives the same sequence. VCF-style (leftmost placement, unchanged base first): chr12-49027212-AG-A. GRCh37 (hg19) VCF-style: chr12-49420995-AG-A.
Other names: c.14753delC (NM_003482.3); short protein forms P4918fs.
Identifiers: ClinVar variation 692044 (VCV000692044.1), dbSNP rs1592106879, ClinGen allele CA915948272.